The following is an entry in ClinVar:

NM_032380.5(GFM2):c.1615C>T (p.His539Tyr)

Gene: GFM2 (GTP dependent ribosome recycling factor mitochondrial 2; minus strand). Cytogenetic location: 5q13.3.
Variant type: single nucleotide variant.
Coding change: c.1615C>T on transcript NM_032380.5 (MANE Select); coding-DNA position 1615, C replaced by T.
Protein change: p.His539Tyr; replaces histidine 539 with tyrosine.
Molecular consequence: missense variant.
Genome position (GRCh38, 1-based): chr5:74,730,371, G>A on the plus strand (C>T on the coding strand, the complement: GFM2 is on the minus strand). VCF-style: chr5-74730371-G-A. GRCh37 (hg19) VCF-style: chr5-74026196-G-A.
Other names: c.1711C>T, p.His571Tyr (NM_001281302.2); c.1474C>T, p.His492Tyr (NM_170691.3); short protein forms H492Y, H539Y, H571Y.
Identifiers: ClinVar variation 2506627 (VCV002506627.1), dbSNP rs1311326129, ClinGen allele CA360078162.

ClinVar aggregate classification (germline): Uncertain significance (1 of 4 stars; one submission).

gnomAD v4.1: 1 of 1,610,354 alleles (0.000062%); highest among the groups gnomAD compares: Non-Finnish European, 0.000085%; no homozygotes.

Submission:

GeneDx
Classification: Uncertain significance. Last evaluated: 2022-12-20. Review status: criteria provided, single submitter. Criteria: GeneDx Variant Classification Process June 2021. Collection method: clinical testing. Allele origin: germline. Affected: yes.
Comment: Not observed at significant frequency in large population cohorts (gnomAD); In silico analysis supports that this missense variant has a deleterious effect on protein structure/function; Has not been previously published as pathogenic or benign to our knowledge